The following is an entry in ClinVar:

ClinVar aggregate classification (germline): Uncertain significance (1 of 4 stars; one submission).

Submission:

GeneDx
Classification: Uncertain significance. Last evaluated: 2021-12-16. Review status: criteria provided, single submitter. Criteria: GeneDx Variant Classification Process June 2021. Collection method: clinical testing. Allele origin: germline. Affected: yes.
Comment: Not observed at significant frequency in large population cohorts (Lek et al., 2016); In silico analysis supports that this missense variant has a deleterious effect on protein structure/function; Has not been previously published as pathogenic or benign to our knowledge

NM_003413.4(ZIC3):c.1107T>G (p.Phe369Leu)

Gene: ZIC3 (Zic family member 3; plus strand). Cytogenetic location: Xq26.3.
Variant type: single nucleotide variant.
Coding change: c.1107T>G on transcript NM_003413.4 (MANE Select); coding-DNA position 1107, T replaced by G.
Protein change: p.Phe369Leu; replaces phenylalanine 369 with leucine.
Molecular consequence: missense variant.
Genome position (GRCh38, 1-based): chrX:137,568,948, T>G. VCF-style: chrX-137568948-T-G. GRCh37 (hg19) VCF-style: chrX-136651107-T-G.
Other names: c.1107T>G, p.Phe369Leu (NM_001330661.1); short protein forms F369L.
Identifiers: ClinVar variation 1329762 (VCV001329762.2), dbSNP rs2124185590, ClinGen allele CA414771457.
Genomic context (GRCh38, chrX:137,568,948, plus strand): 5'-TTTGCCTTTTGCAGGTGAGAAACCTTTCAAATGTGAATTTGAAGGCTGTGACAGACGCTT[T>G]GCCAACAGCAGCGACCGTAAGAAGCACATGCATGTGCATACCTCGGACAAGCCCTATATC-3'
Protein context (NP_003404.1, residues 359-379): KCEFEGCDRR[Phe369Leu]ANSSDRKKHM